The following is an entry in ClinVar:

ClinVar aggregate classification (germline): Conflicting classifications of pathogenicity. Review status: criteria provided, conflicting classifications (1 of 4 stars). 4 submissions from 4 submitters: Uncertain significance (1); Likely benign (3). Last evaluated 2025-11-05.

Conditions:
TIMP3-related disorder. Also called: TIMP3-related condition.

Allele frequency attached by ClinVar (database versions not stated): gnomAD exomes 0.00001; gnomAD 0.00003; ExAC 0.00004; TOPMed 0.00004.
gnomAD v4.1: 26 of 1,613,364 alleles (0.0016%); highest among the groups gnomAD compares: East Asian, 0.054%; no homozygotes.

Submissions (4):

PreventionGenetics, part of Exact Sciences
Classification: Likely benign for TIMP3-related condition. Last evaluated: 2025-11-05. Review status: criteria provided, single submitter. Criteria: ACMG Guidelines, 2015. Collection method: clinical testing. Allele origin: germline.
Comment: This variant is classified as likely benign based on ACMG/AMP sequence variant interpretation guidelines (Richards et al. 2015 PMID: 25741868, with internal and published modifications).

Labcorp Genetics (formerly Invitae), Labcorp
Classification: Likely benign. Last evaluated: 2024-06-30. Review status: criteria provided, single submitter. Criteria: Invitae Variant Classification Sherloc (09022015). Collection method: clinical testing. Allele origin: germline.

Ambry Genetics
Classification: Uncertain significance. Last evaluated: 2023-12-17. Review status: criteria provided, single submitter. Criteria: Ambry Variant Classification Scheme 2023. Collection method: clinical testing. Allele origin: germline.

Blueprint Genetics
Classification: Likely benign. Last evaluated: 2022-02-28. Review status: criteria provided, single submitter. Criteria: ACMG Guidelines, 2015. Collection method: clinical testing. Allele origin: germline.

NM_000362.5(TIMP3):c.187A>G (p.Thr63Ala)

Genes: SYN3 (synapsin III; minus strand), TIMP3 (TIMP metallopeptidase inhibitor 3; plus strand). Cytogenetic location: 22q12.3.
Variant type: single nucleotide variant.
Coding change: c.187A>G on transcript NM_000362.5 (MANE Select); coding-DNA position 187, A replaced by G.
Protein change: p.Thr63Ala; replaces threonine 63 with alanine.
Molecular consequence: missense variant. On other transcripts: intron variant (7).
Genome position (GRCh38, 1-based): chr22:32,849,517, A>G. VCF-style: chr22-32849517-A-G. GRCh37 (hg19) VCF-style: chr22-33245504-A-G.
Other names: c.708+15398T>C (NM_001369909.1, NM_001135774.2, NM_001369910.1); c.711+15398T>C (NM_001369907.1, NM_003490.4, NM_001369908.1 and 1 more transcripts); short protein forms T63A.
Identifiers: ClinVar variation 3177578 (VCV003177578.5), dbSNP rs754619737, ClinGen allele CA10202185.
Genomic context (GRCh38, chr22:32,849,517, plus strand): 5'-CGGGCCAAGGTGGTGGGGAAGAAGCTGGTAAAGGAGGGGCCCTTCGGCACGCTGGTCTAC[A>G]CCATCAAGCAGATGAAGGTAGGTAATGTCATCACCCTGGCTCCGGGAAGGTTTTTGGGTT-3'
Protein context (NP_000353.1, residues 53-73): KEGPFGTLVY[Thr63Ala]IKQMKMYRGF